The following is an entry in ClinVar:

ClinVar aggregate classification (germline): Likely benign. Review status: criteria provided, multiple submitters, no conflicts (2 of 4 stars). 6 submissions from 6 submitters: Likely benign (5). 1 of the submissions does not count toward it. Last evaluated 2025-12-30.

Conditions:
POLE-related disorder. Also called: POLE-related condition; POLE-related disorders.
Hereditary cancer-predisposing syndrome. Also called: Hereditary neoplastic syndrome; Hereditary Cancer Syndrome; Tumor predisposition; Neoplastic Syndromes, Hereditary. Identifiers: Orphanet 140162, MedGen C0027672, MeSH D009386, MONDO:0015356.
Colorectal cancer, susceptibility to, 12 (CRCS12). Also called: COLORECTAL CANCER, SUSCEPTIBILITY TO, ON CHROMOSOME 12q24. Identifiers: Orphanet 220460, MedGen C3554460, MONDO:0014038, OMIM 615083.

Allele frequency attached by ClinVar (database versions not stated): gnomAD 0.00001; TOPMed 0.00001; gnomAD exomes 0.00002; ExAC 0.00003.
gnomAD v4.1: 24 of 1,611,000 alleles (0.0015%); highest among the groups gnomAD compares: Middle Eastern, 0.05%; no homozygotes.

Submissions (6):

Labcorp Genetics (formerly Invitae), Labcorp
Classification: Likely benign. Last evaluated: 2025-12-30. Review status: criteria provided, single submitter. Criteria: Invitae Variant Classification Sherloc (09022015). Collection method: clinical testing. Allele origin: germline.

KCCC/NGS Laboratory, Kuwait Cancer Control Center
Classification: Likely benign for Colorectal cancer, susceptibility to, 12. Last evaluated: 2023-07-07. Review status: criteria provided, single submitter. Criteria: ACMG Guidelines, 2015. Collection method: clinical testing. Allele origin: germline. Affected: yes.

GeneDx
Classification: Likely benign. Last evaluated: 2018-02-23. Review status: criteria provided, single submitter. Criteria: GeneDx Variant Classification (06012015). Collection method: clinical testing. Allele origin: germline. Affected: yes.
Comment: This variant is considered likely benign or benign based on one or more of the following criteria: it is a conservative change, it occurs at a poorly conserved position in the protein, it is predicted to be benign by multiple in silico algorithms, and/or has population frequency not consistent with disease.

Quest Diagnostics Nichols Institute San Juan Capistrano
Classification: Likely benign. Last evaluated: 2017-06-22. Review status: criteria provided, single submitter. Criteria: Quest Diagnostics criteria. Collection method: clinical testing. Allele origin: germline.

Ambry Genetics
Classification: Likely benign for Hereditary cancer-predisposing syndrome. Last evaluated: 2016-03-01. Review status: criteria provided, single submitter. Criteria: Ambry Variant Classification Scheme 2023. Collection method: clinical testing. Allele origin: germline.

PreventionGenetics, part of Exact Sciences
Classification: Likely benign for POLE-related condition. Last evaluated: 2019-10-29. Review status: no assertion criteria provided. Collection method: clinical testing. Allele origin: germline. Not counted in ClinVar's aggregate classification.
Comment: This variant is classified as likely benign based on ACMG/AMP sequence variant interpretation guidelines (Richards et al. 2015 PMID: 25741868, with internal and published modifications).

NM_006231.4(POLE):c.4602C>T (p.His1534=)

Gene: POLE (DNA polymerase epsilon, catalytic subunit; minus strand). Cytogenetic location: 12q24.33.
Variant type: single nucleotide variant.
Coding change: c.4602C>T on transcript NM_006231.4 (MANE Select); coding-DNA position 4602, C replaced by T.
Protein change: p.His1534=; no amino-acid change (histidine 1534 retained).
Molecular consequence: synonymous variant.
Genome position (GRCh38, 1-based): chr12:132,642,946, G>A on the plus strand (C>T on the coding strand, the complement: POLE is on the minus strand). VCF-style: chr12-132642946-G-A. GRCh37 (hg19) VCF-style: chr12-133219532-G-A.
Identifiers: ClinVar variation 439276 (VCV000439276.19), dbSNP rs749126952, ClinGen allele CA6892765.
Genomic context (GRCh38, chr12:132,642,946, plus strand): 5'-TTCGAAGGTGTGTTTGGGGGGTGGCAGGAGCTCAGGGCCCACCTTCTCCAGGAGGAGGCC[G>A]TGCTCTGCTGAGTACAGGGCGCCAAGGCTGGGCATCTGGTTGCTGCGCACCTAGACCAAC-3'
Protein context (NP_006222.2, residues 1524-1544): PSLGALYSAE[His1534=]GLLLEKVGPE